The following is an entry in ClinVar:

ClinVar aggregate classification (germline): Uncertain significance (1 of 4 stars; one submission).

Allele frequency attached by ClinVar (database versions not stated): gnomAD exomes below 0.00001; TOPMed below 0.00001; gnomAD 0.00001.
gnomAD v4.1: 5 of 1,613,914 alleles (0.00031%); highest among the groups gnomAD compares: Non-Finnish European, 0.00042%; no homozygotes.

Submission:

Labcorp Genetics (formerly Invitae), Labcorp
Classification: Uncertain significance. Last evaluated: 2023-12-17. Review status: criteria provided, single submitter. Criteria: Invitae Variant Classification Sherloc (09022015). Collection method: clinical testing. Allele origin: germline.
Comment: This sequence change replaces lysine, which is basic and polar, with glutamic acid, which is acidic and polar, at codon 188 of the COL10A1 protein (p.Lys188Glu). This variant is not present in population databases (gnomAD no frequency). This variant has not been reported in the literature in individuals affected with COL10A1-related conditions. Advanced modeling of protein sequence and biophysical properties (such as structural, functional, and spatial information, amino acid conservation, physicochemical variation, residue mobility, and thermodynamic stability) performed at Invitae indicates that this missense variant is not expected to disrupt COL10A1 protein function with a negative predictive value of 80%. In summary, the available evidence is currently insufficient to determine the role of this variant in disease. Therefore, it has been classified as a Variant of Uncertain Significance.

NM_000493.4(COL10A1):c.562A>G (p.Lys188Glu)

Genes: COL10A1 (collagen type X alpha 1 chain; minus strand), NT5DC1 (5'-nucleotidase domain containing 1; plus strand). Cytogenetic location: 6q22.1.
Variant type: single nucleotide variant.
Coding change: c.562A>G on transcript NM_000493.4 (MANE Select); coding-DNA position 562, A replaced by G.
Protein change: p.Lys188Glu; replaces lysine 188 with glutamic acid.
Molecular consequence: missense variant. On other transcripts: intron variant (1).
Genome position (GRCh38, 1-based): chr6:116,121,554, T>C on the plus strand (A>G on the coding strand, the complement: COL10A1 is on the minus strand). VCF-style: chr6-116121554-T-C. GRCh37 (hg19) VCF-style: chr6-116442717-T-C.
Other names: c.562A>G, p.Lys188Glu (NM_001424106.1, NM_001424107.1); c.529+3609T>C (NM_152729.3); short protein forms K188E.
Identifiers: ClinVar variation 2782456 (VCV002782456.3), dbSNP rs1779128307, ClinGen allele CA365394625.